The following is an entry in ClinVar:

GRCh38/hg38 1q43-44(chr1:241459440-247704671)x1

Genes: ADSS2 (adenylosuccinate synthase 2; minus strand), AHCTF1 (AT-hook containing transcription factor 1; minus strand), AKT3 (AKT serine/threonine kinase 3; minus strand), AKT3-IT1 (AKT3 intronic transcript 1; minus strand), BECN2 (beclin 2; plus strand) and 181 more. Cytogenetic location: 1q43-44.
Variant type: copy number loss.
Change: copy number 1 (one copy instead of two) of chr1:241,459,440-247,704,671 (6.25 Mb, GRCh38 coordinates, 1-based), cytogenetic band 1q43-44.
Identifiers: ClinVar variation 60152 (VCV000060152.2).

ClinVar aggregate classification (germline): Pathogenic (1 of 4 stars; one submission).

Submission:

ISCA Site 6
Classification: Pathogenic. Last evaluated: 2011-08-12. Review status: criteria provided, single submitter. Criteria: Kaminsky et al. (Genet Med. 2011). Collection method: clinical testing. Allele origin: unknown. Affected: yes. Observed: 1 variant allele.
Comment: Copy number variation identified through the course of routine clinical cytogenomic testing in postnatal populations. Clinical assertions have been curated as described in Kaminsky et al. 2011.